The following is an entry in ClinVar:

ClinVar aggregate classification (germline): Uncertain significance. Review status: criteria provided, multiple submitters, no conflicts (2 of 4 stars). 2 submissions from 2 submitters: Uncertain significance (2). Last evaluated 2026-06-02.

Conditions:
Inborn genetic diseases. Identifiers: MedGen C0950123, MeSH D030342.

gnomAD v4.1: 31 of 1,537,494 alleles (0.002%); highest among the groups gnomAD compares: Non-Finnish European, 0.0025%; no homozygotes.

Submissions (2):

Women's Health and Genetics/Laboratory Corporation of America, LabCorp
Classification: Uncertain significance. Last evaluated: 2026-06-02. Review status: criteria provided, single submitter. Criteria: LabCorp Variant Classification Summary - May 2015. Collection method: clinical testing. Allele origin: germline.
Comment: Variant summary: CACNA1G c.68A>C (p.Asn23Thr) results in a non-conservative amino acid change in the encoded protein sequence. Algorithms developed to predict the effect of missense changes on protein structure and function all suggest that this variant is likely to be disruptive. The variant allele was found at a frequency of 2.2e-05 in 134676 control chromosomes. The available data on variant occurrences in the general population are insufficient to allow any conclusion about variant significance. To our knowledge, no occurrence of c.68A>C in individuals affected with CACNA1G-related conditions and no experimental evidence demonstrating its impact on protein function have been reported. ClinVar contains an entry for this variant (Variation ID: 2595947). Based on the evidence outlined above, the variant was classified as uncertain significance.

Ambry Genetics
Classification: Uncertain significance for Inborn genetic diseases. Last evaluated: 2023-08-15. Review status: criteria provided, single submitter. Criteria: Ambry Variant Classification Scheme 2023. Collection method: clinical testing. Allele origin: germline.

NM_018896.5(CACNA1G):c.68A>C (p.Asn23Thr)

Genes: CACNA1G (calcium voltage-gated channel subunit alpha1 G; plus strand), CACNA1G-AS1 (CACNA1G antisense RNA 1; minus strand). Cytogenetic location: 17q21.33.
Variant type: single nucleotide variant.
Coding change: c.68A>C on transcript NM_018896.5 (MANE Select); coding-DNA position 68, A replaced by C.
Protein change: p.Asn23Thr; replaces asparagine 23 with threonine.
Molecular consequence: missense variant. On other transcripts: non-coding transcript variant (5).
Genome position (GRCh38, 1-based): chr17:50,561,527, A>C. VCF-style: chr17-50561527-A-C. GRCh37 (hg19) VCF-style: chr17-48638888-A-C.
Other names: c.68A>C, p.Asn23Thr (NM_001256324.2, NM_001256325.2, NM_001256326.2 and 24 more transcripts); short protein forms N23T.
Identifiers: ClinVar variation 2595947 (VCV002595947.3), dbSNP rs892878765, ClinGen allele CA291583327.